The following is an entry in ClinVar:

NM_139276.3(STAT3):c.350A>G (p.Gln117Arg)

Gene: STAT3 (signal transducer and activator of transcription 3; minus strand). Cytogenetic location: 17q21.2.
Variant type: single nucleotide variant.
Coding change: c.350A>G on transcript NM_139276.3 (MANE Select); coding-DNA position 350, A replaced by G.
Protein change: p.Gln117Arg; replaces glutamine 117 with arginine.
Molecular consequence: missense variant. On other transcripts: splice acceptor variant (1).
Genome position (GRCh38, 1-based): chr17:42,345,581, T>C on the plus strand (A>G on the coding strand, the complement: STAT3 is on the minus strand). VCF-style: chr17-42345581-T-C. GRCh37 (hg19) VCF-style: chr17-40497599-T-C.
Other names: c.350A>G, p.Gln117Arg (NM_001369512.1, NM_001369513.1, NM_001369514.1 and 16 more transcripts); c.274-2A>G (NM_001384985.1); short protein forms Q117R.
Identifiers: ClinVar variation 3256345 (VCV003256345.5).

ClinVar aggregate classification (germline): Uncertain significance. Review status: criteria provided, multiple submitters, no conflicts (2 of 4 stars). 3 submissions from 3 submitters: Uncertain significance (3). Last evaluated 2025-09-22.

Conditions:
STAT3 gain of function. Identifiers: MedGen C4288261.
Hyper-IgE recurrent infection syndrome 1, autosomal dominant. Also called: HYPER-IgE SYNDROME 1, AUTOSOMAL DOMINANT, WITH RECURRENT INFECTIONS; JOB SYNDROME; Job's Syndrome; STAT3 Hyper IgE Syndrome; Hyper-IgE recurrent infection syndrome 1. Identifiers: Orphanet 2314, MedGen C2936739, MONDO:0007818, OMIM 147060.
STAT3-related early-onset multisystem autoimmune disease. Also called: Autoimmune disease, multisystem, infantile-onset, 1. Identifiers: Orphanet 438159, MedGen C4014795, MONDO:0014414, OMIM 615952.

Submissions (3):

MVZ Medizinische Genetik Mainz
Classification: Uncertain significance for STAT3-related early-onset multisystem autoimmune disease. Last evaluated: 2025-09-22. Review status: criteria provided, single submitter. Criteria: UK Practice Guidelines For Variant Classification V4 01 2020. Collection method: clinical testing. Allele origin: germline. Inheritance: Autosomal dominant inheritance. Affected: yes. Observed: 1 variant allele.
Comment: ACMG Criteria: PM2_SUP,PP2

Center for Genomic Medicine, Rigshospitalet, Copenhagen University Hospital
Classification: Uncertain significance. Last evaluated: 2025-03-04. Review status: criteria provided, single submitter. Criteria: ACMG Guidelines, 2015. Collection method: clinical testing. Allele origin: germline.

Labcorp Genetics (formerly Invitae), Labcorp
Classification: Uncertain significance for STAT3 gain of function; Hyper-IgE recurrent infection syndrome 1, autosomal dominant. Last evaluated: 2024-12-10. Review status: criteria provided, single submitter. Criteria: Invitae Variant Classification Sherloc (09022015). Collection method: clinical testing. Allele origin: germline.
Comment: This sequence change replaces glutamine, which is neutral and polar, with arginine, which is basic and polar, at codon 117 of the STAT3 protein (p.Gln117Arg). This variant is not present in population databases (gnomAD no frequency). This variant has not been reported in the literature in individuals affected with STAT3-related conditions. Invitae Evidence Modeling of protein sequence and biophysical properties (such as structural, functional, and spatial information, amino acid conservation, physicochemical variation, residue mobility, and thermodynamic stability) indicates that this missense variant is not expected to disrupt STAT3 protein function with a negative predictive value of 80%. In summary, the available evidence is currently insufficient to determine the role of this variant in disease. Therefore, it has been classified as a Variant of Uncertain Significance.